The following is an entry in ClinVar:

NM_001379200.1(TBX1):c.1447G>T (p.Ala483Ser)

Gene: TBX1 (T-box transcription factor 1; plus strand). Cytogenetic location: 22q11.21.
Variant type: single nucleotide variant.
Coding change: c.1447G>T on transcript NM_001379200.1 (MANE Select); coding-DNA position 1447, G replaced by T.
Protein change: p.Ala483Ser; replaces alanine 483 with serine.
Molecular consequence: missense variant. On other transcripts: intron variant (2).
Genome position (GRCh38, 1-based): chr22:19,766,799, G>T. VCF-style: chr22-19766799-G-T. GRCh37 (hg19) VCF-style: chr22-19754322-G-T.
Other names: c.1420G>T, p.Ala474Ser (NM_080647.1); c.1009+797G>T (NM_005992.1, NM_080646.2); short protein forms A474S, A483S.
Identifiers: ClinVar variation 1772257 (VCV001772257.8), dbSNP rs1402958553, ClinGen allele CA410685538.

ClinVar aggregate classification (germline): Uncertain significance. Review status: criteria provided, multiple submitters, no conflicts (2 of 4 stars). 2 submissions from 2 submitters: Uncertain significance (2). Last evaluated 2025-07-28.

Conditions:
Cardiovascular phenotype. Identifiers: MedGen CN230736.
DiGeorge syndrome. Also called: Catch22; THIRD AND FOURTH PHARYNGEAL POUCH SYNDROME. Identifiers: Orphanet 567, MedGen C0012236, MONDO:0008564, OMIM 188400.

Allele frequency attached by ClinVar (database versions not stated): gnomAD 0.00001; TOPMed 0.00002.
gnomAD v4.1: 5 of 1,516,280 alleles (0.00033%); highest among the groups gnomAD compares: African/African-American, 0.0058%; no homozygotes.

Submissions (2):

Labcorp Genetics (formerly Invitae), Labcorp
Classification: Uncertain significance for DiGeorge syndrome. Last evaluated: 2025-07-28. Review status: criteria provided, single submitter. Criteria: Invitae Variant Classification Sherloc (09022015). Collection method: clinical testing. Allele origin: germline.
Comment: This sequence change replaces alanine, which is neutral and non-polar, with serine, which is neutral and polar, at codon 474 of the TBX1 protein (p.Ala474Ser). This variant is present in population databases (no rsID available, gnomAD 0.01%). This variant has not been reported in the literature in individuals affected with TBX1-related conditions. ClinVar contains an entry for this variant (Variation ID: 1772257). An algorithm developed to predict the effect of missense changes on protein structure and function (PolyPhen-2) suggests that this variant is likely to be disruptive. In summary, the available evidence is currently insufficient to determine the role of this variant in disease. Therefore, it has been classified as a Variant of Uncertain Significance.

Ambry Genetics
Classification: Uncertain significance for Cardiovascular phenotype. Last evaluated: 2023-08-03. Review status: criteria provided, single submitter. Criteria: Ambry Variant Classification Scheme 2023. Collection method: clinical testing. Allele origin: germline.
Comment: The p.A474S variant (also known as c.1420G>T), located in coding exon 8 of the TBX1 gene, results from a G to T substitution at nucleotide position 1420. The alanine at codon 474 is replaced by serine, an amino acid with similar properties. This amino acid position is conserved. In addition, this alteration is predicted to be tolerated by in silico analysis. Since supporting evidence is limited at this time, the clinical significance of this alteration remains unclear.